The following is an entry in ClinVar:

ClinVar aggregate classification (germline): Uncertain significance (1 of 4 stars; one submission).

Allele frequency attached by ClinVar (database versions not stated): ExAC 0.00001; gnomAD 0.00001; TOPMed 0.00001.
gnomAD v4.1: 2 of 1,605,050 alleles (0.00012%); no homozygotes.

Submission:

Labcorp Genetics (formerly Invitae), Labcorp
Classification: Uncertain significance. Last evaluated: 2023-08-16. Review status: criteria provided, single submitter. Criteria: Invitae Variant Classification Sherloc (09022015). Collection method: clinical testing. Allele origin: germline.
Comment: In summary, the available evidence is currently insufficient to determine the role of this variant in disease. Therefore, it has been classified as a Variant of Uncertain Significance. This sequence change affects an acceptor splice site in intron 2 of the CEP97 gene. It is expected to disrupt RNA splicing. Variants that disrupt the donor or acceptor splice site typically lead to a loss of protein function (PMID: 16199547), however the current clinical and genetic evidence is not sufficient to establish whether loss-of-function variants in CEP97 cause disease. This variant is present in population databases (rs757656908, gnomAD 0.02%). This variant has not been reported in the literature in individuals affected with CEP97-related conditions. Algorithms developed to predict the effect of sequence changes on RNA splicing suggest that this variant may disrupt the consensus splice site.

Literature cited by the submitters: PubMed 16199547.

NM_024548.4(CEP97):c.187-2A>T

Gene: CEP97 (centrosomal protein 97; plus strand). Cytogenetic location: 3q12.3.
Variant type: single nucleotide variant.
Coding change: c.187-2A>T on transcript NM_024548.4 (MANE Select); the canonical splice acceptor site of the intron before coding-DNA position 187, A replaced by T.
Molecular consequence: splice acceptor variant.
Genome position (GRCh38, 1-based): chr3:101,727,381, A>T. VCF-style: chr3-101727381-A-T. GRCh37 (hg19) VCF-style: chr3-101446225-A-T.
Other names: c.187-2A>T (NM_001303401.2, NM_001410784.1, NM_001410785.1).
Identifiers: ClinVar variation 2985842 (VCV002985842.3), dbSNP rs757656908, ClinGen allele CA2521840.